The following is an entry in ClinVar:

NM_003737.4(DCHS1):c.2636G>A (p.Arg879Gln)

Gene: DCHS1 (dachsous cadherin-related 1; minus strand). Cytogenetic location: 11p15.4.
Variant type: single nucleotide variant.
Coding change: c.2636G>A on transcript NM_003737.4 (MANE Select); coding-DNA position 2636, G replaced by A.
Protein change: p.Arg879Gln; replaces arginine 879 with glutamine.
Molecular consequence: missense variant.
Genome position (GRCh38, 1-based): chr11:6,632,876, C>T on the plus strand (G>A on the coding strand, the complement: DCHS1 is on the minus strand). VCF-style: chr11-6632876-C-T. GRCh37 (hg19) VCF-style: chr11-6654107-C-T.
Other names: short protein forms R879Q.
Identifiers: ClinVar variation 2779624 (VCV002779624.3), dbSNP rs1195478404, ClinGen allele CA379420183.

ClinVar aggregate classification (germline): Uncertain significance (1 of 4 stars; one submission).

Allele frequency attached by ClinVar (database versions not stated): gnomAD exomes 0.00001.
gnomAD v4.1: 6 of 1,613,984 alleles (0.00037%); highest among the groups gnomAD compares: East Asian, 0.0022%; no homozygotes.

Submission:

Labcorp Genetics (formerly Invitae), Labcorp
Classification: Uncertain significance. Last evaluated: 2023-12-02. Review status: criteria provided, single submitter. Criteria: Invitae Variant Classification Sherloc (09022015). Collection method: clinical testing. Allele origin: germline.
Comment: This sequence change replaces arginine, which is basic and polar, with glutamine, which is neutral and polar, at codon 879 of the DCHS1 protein (p.Arg879Gln). This variant is present in population databases (no rsID available, gnomAD 0.006%). This variant has not been reported in the literature in individuals affected with DCHS1-related conditions. Advanced modeling of protein sequence and biophysical properties (such as structural, functional, and spatial information, amino acid conservation, physicochemical variation, residue mobility, and thermodynamic stability) performed at Invitae indicates that this missense variant is not expected to disrupt DCHS1 protein function with a negative predictive value of 80%. Algorithms developed to predict the effect of sequence changes on RNA splicing suggest that this variant may create or strengthen a splice site. In summary, the available evidence is currently insufficient to determine the role of this variant in disease. Therefore, it has been classified as a Variant of Uncertain Significance.